The following is an entry in ClinVar:

ClinVar aggregate classification (germline): Likely benign (1 of 4 stars; one submission).

Allele frequency attached by ClinVar (database versions not stated): gnomAD exomes 0.00004; gnomAD 0.00006; TOPMed 0.00009.
gnomAD v4.1: 28 of 689,588 alleles (0.0041%); highest among the groups gnomAD compares: Middle Eastern, 0.047%; no homozygotes.

Submission:

CeGaT Center for Human Genetics Tuebingen
Classification: Likely benign. Last evaluated: 2024-01-01. Review status: criteria provided, single submitter. Criteria: CeGaT Center For Human Genetics Tuebingen Variant Classification Criteria Version 2. Collection method: clinical testing. Allele origin: germline. Affected: yes. Observed: 1 variant allele.
Comment: SHANK2: BP4

NM_012309.5(SHANK2):c.1450G>A (p.Ala484Thr)

Gene: SHANK2 (SH3 and multiple ankyrin repeat domains 2; minus strand). Cytogenetic location: 11q13.4.
Variant type: single nucleotide variant.
Coding change: c.1450G>A on transcript NM_012309.5 (MANE Select); coding-DNA position 1450, G replaced by A.
Protein change: p.Ala484Thr; replaces alanine 484 with threonine.
Molecular consequence: missense variant.
Genome position (GRCh38, 1-based): chr11:70,820,407, C>T on the plus strand (G>A on the coding strand, the complement: SHANK2 is on the minus strand). VCF-style: chr11-70820407-C-T. GRCh37 (hg19) VCF-style: chr11-70666512-C-T.
Other names: c.313G>A, p.Ala105Thr (NM_001379226.1); short protein forms A105T, A484T.
Identifiers: ClinVar variation 3025937 (VCV003025937.22), dbSNP rs868950268, ClinGen allele CA223865023.